The following is an entry in ClinVar:

NM_001365999.1(SZT2):c.2220G>T (p.Val740=)

Gene: SZT2 (SZT2 subunit of KICSTOR complex; plus strand). Cytogenetic location: 1p34.2.
Variant type: single nucleotide variant.
Coding change: c.2220G>T on transcript NM_001365999.1 (MANE Select); coding-DNA position 2220, G replaced by T.
Protein change: p.Val740=; no amino-acid change (valine 740 retained).
Molecular consequence: synonymous variant.
Genome position (GRCh38, 1-based): chr1:43,423,281, G>T. VCF-style: chr1-43423281-G-T. GRCh37 (hg19) VCF-style: chr1-43888952-G-T.
Other names: c.2220G>T, p.Val740= (NM_015284.4).
Identifiers: ClinVar variation 2638750 (VCV002638750.24), dbSNP rs576623885, ClinGen allele CA808633.

ClinVar aggregate classification (germline): Likely benign (1 of 4 stars; one submission).

gnomAD v4.1: 1 of 1,560,022 alleles (0.000064%); highest among the groups gnomAD compares: South Asian, 0.0012%; no homozygotes.

Submission:

CeGaT Center for Human Genetics Tuebingen
Classification: Likely benign. Last evaluated: 2022-11-01. Review status: criteria provided, single submitter. Criteria: CeGaT Center For Human Genetics Tuebingen Variant Classification Criteria Version 2. Collection method: clinical testing. Allele origin: germline. Affected: yes. Observed: 1 variant allele.
Comment: SZT2: BP4, BP7